The following is an entry in ClinVar:

ClinVar aggregate classification (germline): Uncertain significance. Review status: criteria provided, multiple submitters, no conflicts (2 of 4 stars). 2 submissions from 2 submitters: Uncertain significance (2). Last evaluated 2025-02-07.

Conditions:
Spastic paraplegia 81, autosomal recessive. Identifiers: MedGen C5394033, MONDO:0032905, OMIM 618768.

Allele frequency attached by ClinVar (database versions not stated): ExAC 0.00012; TOPMed 0.00024; ESP Exome Variant Server 0.00025; gnomAD 0.00027; gnomAD exomes 0.00030.

Submissions (2):

Ambry Genetics
Classification: Uncertain significance. Last evaluated: 2025-02-07. Review status: criteria provided, single submitter. Criteria: Ambry Variant Classification Scheme 2023. Collection method: clinical testing. Allele origin: germline.

Pittsburgh Clinical Genomics Laboratory, University of Pittsburgh Medical Center
Classification: Uncertain significance for Spastic paraplegia 81, autosomal recessive. Last evaluated: 2022-05-09. Review status: criteria provided, single submitter. Criteria: ACMG Guidelines, 2015. Collection method: clinical testing. Allele origin: germline. Inheritance: Autosomal recessive inheritance. Affected: yes.
Comment: This sequence variant is a single nucleotide substitution (C>T) at coding nucleotide position 1019 of the SELENOI gene which results in a serine to phenylalanine amino acid change at residue 340 in the SELENOI protein. This variant has not been reported in clinical genetics databases or observed in the medical literature in individuals with SELENOI-related disease, to our knowledge. This variant is present in the gnomAD control population dataset (55/250574 alleles or 0.02%). Multiple bioinformatic tools predict that this variant is likely to be tolerated, but functiol studies assessing the effect of this variant on protein structure or activity have not been performed, to our knowledge. At this time, there is insufficient evidence to determine if this variant is pathogenic or benign. Therefore, we consider it to be a variant of uncertain significance. ACMG Criteria: BP4

NM_033505.4(SELENOI):c.1019C>T (p.Ser340Phe)

Gene: SELENOI (selenoprotein I; plus strand). Cytogenetic location: 2p23.3.
Variant type: single nucleotide variant.
Coding change: c.1019C>T on transcript NM_033505.4 (MANE Select); coding-DNA position 1019, C replaced by T.
Protein change: p.Ser340Phe; replaces serine 340 with phenylalanine.
Molecular consequence: missense variant. On other transcripts: non-coding transcript variant (1).
Genome position (GRCh38, 1-based): chr2:26,386,460, C>T. VCF-style: chr2-26386460-C-T. GRCh37 (hg19) VCF-style: chr2-26609328-C-T.
Other names: short protein forms S340F.
Identifiers: ClinVar variation 3159508 (VCV003159508.3), dbSNP rs200293320, ClinGen allele CA1561660.